The following is an entry in ClinVar:

NM_152564.5(VPS13B):c.6564T>C (p.Asn2188=)

Gene: VPS13B (vacuolar protein sorting 13 homolog B; plus strand). Cytogenetic location: 8q22.2.
Variant type: single nucleotide variant.
Coding change: c.6564T>C on transcript NM_152564.5 (MANE Select); coding-DNA position 6564, T replaced by C.
Protein change: p.Asn2188=; no amino-acid change (asparagine 2188 retained).
Molecular consequence: synonymous variant.
Genome position (GRCh38, 1-based): chr8:99,717,280, T>C. VCF-style: chr8-99717280-T-C. GRCh37 (hg19) VCF-style: chr8-100729508-T-C.
Other names: c.6639T>C, p.Asn2213= (NM_017890.5); c.6564T>C (NM_152564.4).
Identifiers: ClinVar variation 783097 (VCV000783097.14), dbSNP rs746691768, ClinGen allele CA4824029.

ClinVar aggregate classification (germline): Likely benign. Review status: criteria provided, multiple submitters, no conflicts (2 of 4 stars). 4 submissions from 4 submitters: Likely benign (2). 2 of the submissions do not count toward it. Last evaluated 2025-01-12.

Conditions:
VPS13B-related disorder. Also called: VPS13B-related condition.
Cohen syndrome (COH1). Also called: Cutis verticis gyrata, retinitis pigmentosa, and sensorineural deafness; PEPPER SYNDROME. Identifiers: Orphanet 193, MedGen C0265223, MONDO:0008999, OMIM 216550.

Allele frequency attached by ClinVar (database versions not stated): gnomAD below 0.00001 and 0.00001; gnomAD exomes 0.00002 and 0.00005; ExAC 0.00006.
gnomAD v4.1: 37 of 1,613,932 alleles (0.0023%); highest among the groups gnomAD compares: South Asian, 0.037%; no homozygotes.

Submissions (4):

Labcorp Genetics (formerly Invitae), Labcorp
Classification: Likely benign for Cohen syndrome. Last evaluated: 2025-01-12. Review status: criteria provided, single submitter. Criteria: Invitae Variant Classification Sherloc (09022015). Collection method: clinical testing. Allele origin: germline.

Blueprint Genetics
Classification: Likely benign. Last evaluated: 2024-08-12. Review status: criteria provided, single submitter. Criteria: ACMG Guidelines, 2015. Collection method: clinical testing. Allele origin: germline.

PreventionGenetics, part of Exact Sciences
Classification: Likely benign for VPS13B-related condition. Last evaluated: 2024-08-14. Review status: no assertion criteria provided. Collection method: clinical testing. Allele origin: germline. Not counted in ClinVar's aggregate classification.
Comment: This variant is classified as likely benign based on ACMG/AMP sequence variant interpretation guidelines (Richards et al. 2015 PMID: 25741868, with internal and published modifications).

Natera, Inc.
Classification: Likely benign for Cohen syndrome. Last evaluated: 2021-02-05. Review status: no assertion criteria provided. Collection method: clinical testing. Allele origin: germline. Not counted in ClinVar's aggregate classification.